The following is an entry in ClinVar:

NM_000368.5(TSC1):c.1222C>T (p.His408Tyr)

Gene: TSC1 (TSC complex subunit 1; minus strand). Cytogenetic location: 9q34.13.
Variant type: single nucleotide variant.
Coding change: c.1222C>T on transcript NM_000368.5 (MANE Select); coding-DNA position 1222, C replaced by T.
Protein change: p.His408Tyr; replaces histidine 408 with tyrosine.
Molecular consequence: missense variant. On other transcripts: non-coding transcript variant (5).
Genome position (GRCh38, 1-based): chr9:132,910,612, G>A on the plus strand (C>T on the coding strand, the complement: TSC1 is on the minus strand). VCF-style: chr9-132910612-G-A. GRCh37 (hg19) VCF-style: chr9-135785999-G-A.
Other names: c.1219C>T, p.His407Tyr (NM_001162426.2, NM_001406597.1, NM_001406598.1 and 6 more transcripts); c.1069C>T, p.His357Tyr (NM_001162427.2, NM_001406610.1); c.859C>T, p.His287Tyr (NM_001362177.2, NM_001406614.1, NM_001406615.1 and 5 more transcripts); c.1222C>T, p.His408Tyr (NM_001406592.1, NM_001406593.1, NM_001406594.1 and 7 more transcripts); c.1066C>T, p.His356Tyr (NM_001406611.1, NM_001406612.1, NM_001406613.1); c.856C>T, p.His286Tyr (NM_001406620.1, NM_001406621.1, NM_001406622.1 and 2 more transcripts); c.271C>T, p.His91Tyr (NM_001406626.1); c.268C>T, p.His90Tyr (NM_001406627.1, NM_001406628.1); and 1 more; short protein forms H287Y, H357Y, H407Y, H286Y, H90Y, H408Y, H356Y, H57Y.
Identifiers: ClinVar variation 2625213 (VCV002625213.2), dbSNP rs1374241313, ClinGen allele CA375366878.

ClinVar aggregate classification (germline): Uncertain significance (1 of 4 stars; one submission).

Conditions:
Hereditary cancer-predisposing syndrome. Also called: Tumor predisposition; Hereditary Cancer Syndrome; Hereditary neoplastic syndrome; Neoplastic Syndromes, Hereditary. Identifiers: Orphanet 140162, MedGen C0027672, MeSH D009386, MONDO:0015356.

Allele frequency attached by ClinVar (database versions not stated): TOPMed 0.00001.

Submission:

Ambry Genetics
Classification: Uncertain significance for Hereditary cancer-predisposing syndrome. Last evaluated: 2023-09-12. Review status: criteria provided, single submitter. Criteria: Ambry Variant Classification Scheme 2023. Collection method: clinical testing. Allele origin: germline.
Comment: The p.H408Y variant (also known as c.1222C>T), located in coding exon 10 of the TSC1 gene, results from a C to T substitution at nucleotide position 1222. The histidine at codon 408 is replaced by tyrosine, an amino acid with similar properties. This amino acid position is well conserved in available vertebrate species. In addition, the in silico prediction for this alteration is inconclusive. Since supporting evidence is limited at this time, the clinical significance of this alteration remains unclear.